The following is an entry in ClinVar:

ClinVar aggregate classification (germline): Benign (1 of 4 stars; one submission).

Conditions:
Cataract 15 multiple types. Also called: CATARACT 15, LAMELLAR WITH SUTURAL OPACITIES. Identifiers: Orphanet 91492, MedGen C3809001, MONDO:0014110, OMIM 615274.

Allele frequency attached by ClinVar (database versions not stated): gnomAD exomes 0.00003 and 0.00007; ExAC 0.00007; gnomAD 0.00021 and 0.00022; ESP Exome Variant Server 0.00023; TOPMed 0.00026; 1000 Genomes Project 30x 0.00031; 1000 Genomes Project 0.00040.

Submission:

Illumina Laboratory Services, Illumina
Classification: Benign for Cataract 15 multiple types. Last evaluated: 2018-01-13. Review status: criteria provided, single submitter. Criteria: ICSL Variant Classification Criteria 13 December 2019. Collection method: clinical testing. Allele origin: germline.
Comment: This variant was observed in the ICSL laboratory as part of a predisposition screen in an ostensibly healthy population. It had not been previously curated by ICSL or reported in the Human Gene Mutation Database (HGMD: prior to June 1st, 2018), and was therefore a candidate for classification through an automated scoring system. Utilizing variant allele frequency, disease prevalence and penetrance estimates, and inheritance mode, an automated score was calculated to assess if this variant is too frequent to cause the disease. Based on the score and internal cut-off values, a variant classified as benign is not then subjected to further curation. The score for this variant resulted in a classification of benign for this disease.

NM_012064.4(MIP):c.*32T>C

Gene: MIP (major intrinsic protein of lens fiber; minus strand). Cytogenetic location: 12q13.3.
Variant type: single nucleotide variant.
Coding change: c.*32T>C on transcript NM_012064.4 (MANE Select); 32 bases downstream of the stop codon, T replaced by C.
Molecular consequence: 3 prime UTR variant.
Genome position (GRCh38, 1-based): chr12:56,451,248, A>G on the plus strand (T>C on the coding strand, the complement: MIP is on the minus strand). VCF-style: chr12-56451248-A-G. GRCh37 (hg19) VCF-style: chr12-56845032-A-G.
Identifiers: ClinVar variation 883923 (VCV000883923.4), dbSNP rs185699444, ClinGen allele CA6632491.